The following is an entry in ClinVar:

ClinVar aggregate classification (germline): Uncertain significance. Review status: criteria provided, multiple submitters, no conflicts (2 of 4 stars). 3 submissions from 3 submitters: Uncertain significance (3). Last evaluated 2025-03-26.

Conditions:
Hereditary cancer-predisposing syndrome. Also called: Tumor predisposition; Hereditary Cancer Syndrome; Hereditary neoplastic syndrome; Neoplastic Syndromes, Hereditary. Identifiers: Orphanet 140162, MedGen C0027672, MeSH D009386, MONDO:0015356.
Hereditary pheochromocytoma and paraganglioma. Also called: Hereditary paragangliomas and pheochromocytomas; Hereditary Paraganglioma-Pheochromocytoma Syndromes; Hereditary pheochromocytoma-paraganglioma. Identifiers: Orphanet 29072, MedGen C4274332, MONDO:0017366.

gnomAD v4.1: 1 of 1,607,980 alleles (0.000062%); highest among the groups gnomAD compares: South Asian, 0.0011%; no homozygotes.

Submissions (3):

Ambry Genetics
Classification: Uncertain significance for Hereditary cancer-predisposing syndrome. Last evaluated: 2025-03-26. Review status: criteria provided, single submitter. Criteria: Ambry Variant Classification Scheme 2023. Collection method: clinical testing. Allele origin: germline.
Comment: The p.T60I variant (also known as c.179C>T), located in coding exon 1 of the TMEM127 gene, results from a C to T substitution at nucleotide position 179. The threonine at codon 60 is replaced by isoleucine, an amino acid with similar properties. This amino acid position is conserved. In addition, the in silico prediction for this alteration is inconclusive. Based on the available evidence, the clinical significance of this variant remains unclear.

Labcorp Genetics (formerly Invitae), Labcorp
Classification: Uncertain significance for Hereditary pheochromocytoma and paraganglioma. Last evaluated: 2023-03-19. Review status: criteria provided, single submitter. Criteria: Invitae Variant Classification Sherloc (09022015). Collection method: clinical testing. Allele origin: germline.
Comment: This sequence change replaces threonine, which is neutral and polar, with isoleucine, which is neutral and non-polar, at codon 60 of the TMEM127 protein (p.Thr60Ile). This variant is present in population databases (no rsID available, gnomAD 0.003%). This variant has not been reported in the literature in individuals affected with TMEM127-related conditions. ClinVar contains an entry for this variant (Variation ID: 1493419). An algorithm developed to predict the effect of missense changes on protein structure and function (PolyPhen-2) suggests that this variant is likely to be tolerated. In summary, the available evidence is currently insufficient to determine the role of this variant in disease. Therefore, it has been classified as a Variant of Uncertain Significance.

Breakthrough Genomics
Classification: Uncertain significance. Review status: criteria provided, single submitter. Criteria: ACMG Guidelines, 2015. Collection method: not provided. Allele origin: germline. Inheritance: Autosomal dominant inheritance. Affected: yes.

NM_017849.4(TMEM127):c.179C>T (p.Thr60Ile)

Gene: TMEM127 (transmembrane protein 127; minus strand). Cytogenetic location: 2q11.2.
Variant type: single nucleotide variant.
Coding change: c.179C>T on transcript NM_017849.4 (MANE Select); coding-DNA position 179, C replaced by T.
Protein change: p.Thr60Ile; replaces threonine 60 with isoleucine.
Molecular consequence: missense variant.
Genome position (GRCh38, 1-based): chr2:96,265,203, G>A on the plus strand (C>T on the coding strand, the complement: TMEM127 is on the minus strand). VCF-style: chr2-96265203-G-A. GRCh37 (hg19) VCF-style: chr2-96930941-G-A.
Other names: c.179C>T, p.Thr60Ile (NM_001193304.3); c.179C>T (NM_017849.3); short protein forms T60I.
Identifiers: ClinVar variation 1493419 (VCV001493419.10), dbSNP rs1171618626, ClinGen allele CA347655954.